The following is an entry in ClinVar:

ClinVar aggregate classification (germline): Uncertain significance (1 of 4 stars; one submission).

Conditions:
Warts, hypogammaglobulinemia, infections, and myelokathexis. Also called: WHIM syndrome. Identifiers: MedGen C0472817, MONDO:0023880.

gnomAD v4.1: 4 of 1,614,180 alleles (0.00025%); highest among the groups gnomAD compares: Non-Finnish European, 0.00034%; no homozygotes.

Submission:

Labcorp Genetics (formerly Invitae), Labcorp
Classification: Uncertain significance for Warts, hypogammaglobulinemia, infections, and myelokathexis. Last evaluated: 2024-02-20. Review status: criteria provided, single submitter. Criteria: Invitae Variant Classification Sherloc (09022015). Collection method: clinical testing. Allele origin: germline.
Comment: This sequence change replaces threonine, which is neutral and polar, with alanine, which is neutral and non-polar, at codon 43 of the CXCR4 protein (p.Thr43Ala). This variant is present in population databases (no rsID available, gnomAD 0.002%). This variant has not been reported in the literature in individuals affected with CXCR4-related conditions. An algorithm developed to predict the effect of missense changes on protein structure and function (PolyPhen-2) suggests that this variant is likely to be tolerated. In summary, the available evidence is currently insufficient to determine the role of this variant in disease. Therefore, it has been classified as a Variant of Uncertain Significance.

NM_003467.3(CXCR4):c.127A>G (p.Thr43Ala)

Gene: CXCR4 (C-X-C motif chemokine receptor 4; minus strand). Cytogenetic location: 2q22.1.
Variant type: single nucleotide variant.
Coding change: c.127A>G on transcript NM_003467.3 (MANE Select); coding-DNA position 127, A replaced by G.
Protein change: p.Thr43Ala; replaces threonine 43 with alanine.
Molecular consequence: missense variant.
Genome position (GRCh38, 1-based): chr2:136,115,801, T>C on the plus strand (A>G on the coding strand, the complement: CXCR4 is on the minus strand). VCF-style: chr2-136115801-T-C. GRCh37 (hg19) VCF-style: chr2-136873371-T-C.
Other names: c.139A>G, p.Thr47Ala (NM_001008540.2); c.340A>G, p.Thr114Ala (NM_001348056.2); c.226A>G, p.Thr76Ala (NM_001348059.2); c.82A>G, p.Thr28Ala (NM_001348060.2); short protein forms T43A, T114A, T76A, T28A, T47A.
Identifiers: ClinVar variation 3686205 (VCV003686205.2).